The following is an entry in ClinVar:

NM_138615.3(DHX30):c.3011_3018del (p.Gln1004fs)

Gene: DHX30 (DExH-box helicase 30; plus strand). Cytogenetic location: 3p21.31.
Variant type: Deletion.
Coding change: c.3011_3018del on transcript NM_138615.3 (MANE Select); coding-DNA positions 3011 to 3018, 8 bases deleted (AGTGCAAC; older notation c.3011_3018delAGTGCAAC).
Protein change: p.Gln1004fs; shifts the reading frame from glutamine 1004.
Molecular consequence: frameshift variant.
Genome position (GRCh38, 1-based): chr3:47,849,273-47,849,280, AGTGCAAC deleted; deleting any 8 consecutive bases within chr3:47,849,272-47,849,280 gives the same sequence; the c. name uses the placement nearest the transcript's 3' end. VCF-style (leftmost placement, unchanged base first): chr3-47849271-CCAGTGCAA-C. GRCh37 (hg19) VCF-style: chr3-47890761-CCAGTGCAA-C.
Other names: c.2927_2934del, p.Gln976fs (NM_001330990.2); c.2894_2901del, p.Gln965fs (NM_014966.4); short protein forms Q1004fs, Q965fs, Q976fs.
Identifiers: ClinVar variation 1331316 (VCV001331316.2), dbSNP rs2107166059, ClinGen allele CA2573052184.

ClinVar aggregate classification (germline): Uncertain significance (1 of 4 stars; one submission).

Submission:

GeneDx
Classification: Uncertain significance. Last evaluated: 2021-06-28. Review status: criteria provided, single submitter. Criteria: GeneDx Variant Classification Process June 2021. Collection method: clinical testing. Allele origin: germline. Affected: yes.
Comment: Not observed at significant frequency in large population cohorts (Lek et al., 2016); Frameshift variant predicted to result in protein truncation or nonsense mediated decay in a gene for which loss-of-function is not a known mechanism of disease; Has not been previously published as pathogenic or benign to our knowledge; This variant is associated with the following publications: (PMID: 27535533)